The following is an entry in ClinVar:

ClinVar aggregate classification (germline): Uncertain significance (1 of 4 stars; one submission).

Conditions:
Hereditary spastic paraplegia 72 (SPG72A). Also called: Spastic paraplegia 72, autosomal recessive. Identifiers: Orphanet 401849, MedGen C5882669, MONDO:0014282, OMIM 615625.

Allele frequency attached by ClinVar (database versions not stated): gnomAD 0.00013; ExAC 0.00019; ESP Exome Variant Server 0.00069.
gnomAD v4.1: 212 of 1,614,190 alleles (0.013%); highest among the groups gnomAD compares: Middle Eastern, 0.099%; 1 homozygote.

Submission:

Labcorp Genetics (formerly Invitae), Labcorp
Classification: Uncertain significance for Hereditary spastic paraplegia 72. Last evaluated: 2024-12-16. Review status: criteria provided, single submitter. Criteria: Invitae Variant Classification Sherloc (09022015). Collection method: clinical testing. Allele origin: germline.
Comment: This sequence change replaces alanine, which is neutral and non-polar, with valine, which is neutral and non-polar, at codon 228 of the REEP2 protein (p.Ala228Val). This variant is present in population databases (rs145269051, gnomAD 0.03%). This variant has not been reported in the literature in individuals affected with REEP2-related conditions. ClinVar contains an entry for this variant (Variation ID: 1980399). An algorithm developed to predict the effect of missense changes on protein structure and function outputs the following: PolyPhen-2: "Benign". The valine amino acid residue is found in multiple mammalian species, which suggests that this missense change does not adversely affect protein function. In summary, the available evidence is currently insufficient to determine the role of this variant in disease. Therefore, it has been classified as a Variant of Uncertain Significance.

NM_001271803.2(REEP2):c.683C>T (p.Ala228Val)

Gene: REEP2 (receptor accessory protein 2; plus strand). Cytogenetic location: 5q31.2.
Variant type: single nucleotide variant.
Coding change: c.683C>T on transcript NM_001271803.2 (MANE Select); coding-DNA position 683, C replaced by T.
Protein change: p.Ala228Val; replaces alanine 228 with valine.
Molecular consequence: missense variant. On other transcripts: non-coding transcript variant (2).
Genome position (GRCh38, 1-based): chr5:138,445,585, C>T. VCF-style: chr5-138445585-C-T. GRCh37 (hg19) VCF-style: chr5-137781274-C-T.
Other names: c.677C>T, p.Ala226Val (NM_016606.4); short protein forms A226V, A228V.
Identifiers: ClinVar variation 1980399 (VCV001980399.4), dbSNP rs145269051, ClinGen allele CA3429883.